The following is an entry in ClinVar:

NM_000059.4(BRCA2):c.4779A>C (p.Glu1593Asp)

Gene: BRCA2 (BRCA2 DNA repair associated; plus strand). Cytogenetic location: 13q13.1.
Variant type: single nucleotide variant.
Coding change: c.4779A>C on transcript NM_000059.4 (MANE Select); coding-DNA position 4779, A replaced by C.
Protein change: p.Glu1593Asp; replaces glutamic acid 1593 with aspartic acid.
Molecular consequence: missense variant.
Genome position (GRCh38, 1-based): chr13:32,339,134, A>C. VCF-style: chr13-32339134-A-C. GRCh37 (hg19) VCF-style: chr13-32913271-A-C.
Other names: p.E1593D:GAA>GAC; 5007A>C; short protein forms E1593D.
Identifiers: ClinVar variation 41551 (VCV000041551.60), dbSNP rs80358703, ClinGen allele CA020822.

ClinVar aggregate classification (germline): Benign. Review status: reviewed by expert panel (3 of 4 stars). 19 submissions from 19 submitters: Benign (1). 18 of the submissions do not count toward it. Last evaluated 2019-06-18.

Conditions:
BRCA2-related disorder. Also called: BRCA2-related condition; BRCA2-related disorders. Identifiers: MedGen CN239275.
Hereditary cancer-predisposing syndrome. Also called: Tumor predisposition; Neoplastic Syndromes, Hereditary; Hereditary Cancer Syndrome; Hereditary neoplastic syndrome. Identifiers: Orphanet 140162, MedGen C0027672, MeSH D009386, MONDO:0015356.
Hereditary breast ovarian cancer syndrome. Also called: Hereditary breast and ovarian cancer syndrome; Hereditary breast and ovarian cancer; Hereditary breast and ovarian cancer syndrome (HBOC); Hereditary breast and/or ovarian cancer syndrome; Breast and ovarian cancer; BRCA1- and BRCA2-Associated Hereditary Breast and Ovarian Cancer. Identifiers: Orphanet 145, MedGen C0677776, MeSH D061325, MONDO:0003582. Disease mechanism: loss of function.
Chordoma. Identifiers: Orphanet 178, MedGen C0008487, MONDO:0008978, HP:0010762.
Breast-ovarian cancer, familial, susceptibility to, 2 (BROVCA2). Also called: BRCA2 Hereditary Breast and Ovarian Cancer. Identifiers: Orphanet 145, MedGen C2675520, MONDO:0012933, OMIM 612555. Disease mechanism: loss of function.
Malignant tumor of breast. Also called: Cancer breast; Malignant breast neoplasm. Identifiers: MedGen C0006142, MONDO:0007254. Disease mechanism: loss of function.

Allele frequency attached by ClinVar (database versions not stated): gnomAD exomes 0.00037 and 0.00020; ExAC 0.00041; 1000 Genomes Project 0.00100; 1000 Genomes Project 30x 0.00125; gnomAD 0.00002 and 0.00013; TOPMed 0.00005.
gnomAD v4.1: 322 of 1,614,016 alleles (0.02%); highest among the groups gnomAD compares: South Asian, 0.32%; 7 homozygotes.

Submissions (19):

Evidence-based Network for the Interpretation of Germline Mutant Alleles (ENIGMA)
Classification: Benign for Breast-ovarian cancer, familial, susceptibility to, 2. Last evaluated: 2019-06-18. Review status: reviewed by expert panel. Criteria: ENIGMA BRCA1/2 Classification Criteria (2017-06-29). Collection method: curation. Allele origin: germline.
Comment: Variant allele has low bioinformatic likelihood to encode a missense alteration affecting protein function (Missense prior probability 0.02), AND low bioinformatic likelihood to alter mRNA splicing (splicing prior 0.02), AND minor allele frequency 0.00298 (South Asian), derived from gnomAD v2.1.1 non-cancer (2019-05-13).

Labcorp Genetics (formerly Invitae), Labcorp
Classification: Benign for Hereditary breast ovarian cancer syndrome. Last evaluated: 2026-01-28. Review status: criteria provided, single submitter. Criteria: Invitae Variant Classification Sherloc (09022015). Collection method: clinical testing. Allele origin: germline. Not counted in ClinVar's aggregate classification.

Women's Health and Genetics/Laboratory Corporation of America, LabCorp
Classification: Likely benign. Last evaluated: 2025-08-28. Review status: criteria provided, single submitter. Criteria: LabCorp Variant Classification Summary - May 2015. Collection method: clinical testing. Allele origin: germline. Not counted in ClinVar's aggregate classification.
Comment: Variant summary: BRCA2 c.4779A>C (p.Glu1593Asp) results in a conservative amino acid change in the encoded protein sequence. Algorithms developed to predict the effect of missense changes on protein structure and function all suggest that this variant is likely to be tolerated. The variant allele was found at a frequency of 0.00037 in 250646 control chromosomes, predominantly at a frequency of 0.003 within the South Asian subpopulation in the gnomAD database, including 2 homozygotes. The observed variant frequency within South Asian control individuals in the gnomAD database exceeds the estimated maximal expected allele frequency for disease-causing variants in BRCA2. To our knowledge, no occurrence of c.4779A>C in individuals affected with BRCA2-related conditions and no experimental evidence demonstrating its impact on protein function have been reported. One co-occurrence with another pathogenic variant has been reported (BRCA1 c.66_67delAG, p.Leu22_Glu23LeuValfs), providing supporting evidence for a benign role. ClinVar contains an entry for this variant (Variation ID: 41551). Based on the evidence outlined above, the variant was classified as likely benign.

Center for Genomic Medicine, Rigshospitalet, Copenhagen University Hospital
Classification: Likely benign. Last evaluated: 2025-03-04. Review status: criteria provided, single submitter. Criteria: ACMG Guidelines, 2015. Collection method: clinical testing. Allele origin: germline. Not counted in ClinVar's aggregate classification.

ARUP Laboratories, Molecular Genetics and Genomics, ARUP Laboratories
Classification: Benign. Last evaluated: 2025-02-06. Review status: criteria provided, single submitter. Criteria: ARUP Molecular Germline Variant Investigation Process 2024. Collection method: clinical testing. Allele origin: germline. Not counted in ClinVar's aggregate classification.

Blueprint Genetics
Classification: Likely benign. Last evaluated: 2024-04-02. Review status: criteria provided, single submitter. Criteria: ACMG Guidelines, 2015. Collection method: clinical testing. Allele origin: germline. Not counted in ClinVar's aggregate classification.

CeGaT Center for Human Genetics Tuebingen
Classification: Likely benign. Last evaluated: 2023-06-01. Review status: criteria provided, single submitter. Criteria: CeGaT Center For Human Genetics Tuebingen Variant Classification Criteria Version 2. Collection method: clinical testing. Allele origin: germline. Affected: yes. Observed: 1 variant allele. Not counted in ClinVar's aggregate classification.
Comment: BRCA2: BP4, BS1

Sema4
Classification: Benign for Hereditary cancer-predisposing syndrome. Last evaluated: 2021-07-01. Review status: criteria provided, single submitter. Criteria: Sema4 Curation Guidelines. Collection method: curation. Allele origin: germline. Not counted in ClinVar's aggregate classification.

GeneDx
Classification: Likely benign. Last evaluated: 2020-03-23. Review status: criteria provided, single submitter. Criteria: GeneDx Variant Classification Process June 2021. Collection method: clinical testing. Allele origin: germline. Affected: yes. Not counted in ClinVar's aggregate classification.
Comment: This variant is associated with the following publications: (PMID: 24728327, 17503080, 28918466, 28222693, 10923033, 22752604, 22703879, 26469044, 12442273, 27181684, 19656415)

Genetic Services Laboratory, University of Chicago
Classification: Likely benign. Last evaluated: 2018-07-19. Review status: criteria provided, single submitter. Criteria: ACMG Guidelines, 2015. Collection method: clinical testing. Allele origin: germline. Affected: no. Not counted in ClinVar's aggregate classification.

Color Diagnostics, LLC DBA Color Health
Classification: Benign for Hereditary cancer-predisposing syndrome. Last evaluated: 2016-09-26. Review status: criteria provided, single submitter. Criteria: ACMG Guidelines, 2015. Collection method: clinical testing. Allele origin: germline. Not counted in ClinVar's aggregate classification.

Ambry Genetics
Classification: Benign for Hereditary cancer-predisposing syndrome. Last evaluated: 2014-11-19. Review status: criteria provided, single submitter. Criteria: Ambry Variant Classification Scheme 2023. Collection method: clinical testing. Allele origin: germline. Not counted in ClinVar's aggregate classification.

Integrative Tumor Epidemiology Branch, National Institutes of Health
Classification: Uncertain significance for Chordoma. Last evaluated: 2021-03-22. Review status: no assertion criteria provided. Collection method: research. Allele origin: germline. Affected: yes. Observed: 1 variant allele. Not counted in ClinVar's aggregate classification.
Comment: No impact on ES cell survival or drug sensitivity (no impact on BRCA2 function)

PreventionGenetics, part of Exact Sciences
Classification: Benign for BRCA2-related condition. Last evaluated: 2020-05-21. Review status: no assertion criteria provided. Collection method: clinical testing. Allele origin: germline. Not counted in ClinVar's aggregate classification.
Comment: This variant is classified as benign based on ACMG/AMP sequence variant interpretation guidelines (Richards et al. 2015 PMID: 25741868, with internal and published modifications).

ITMI
No classification provided. Condition: AllHighlyPenetrant. Last evaluated: 2013-09-19. Review status: no classification provided. Collection method: reference population. Allele origin: germline. Not counted in ClinVar's aggregate classification.
Comment: Please see associated publication for description of ethnicities

Biesecker Lab/Clinical Genomics Section, National Institutes of Health
Classification: Uncertain significance. Last evaluated: 2012-07-13. Review status: no assertion criteria provided. Collection method: research. Allele origin: germline. Affected: no. Observed: 1 variant allele. Study: ClinSeq. Not counted in ClinVar's aggregate classification.
ClinVar note: Converted during submission from variant of unknown significance to Uncertain significance.

Sharing Clinical Reports Project (SCRP)
Classification: Benign for Breast-ovarian cancer, familial 2. Last evaluated: 2010-09-13. Review status: no assertion criteria provided. Collection method: clinical testing. Allele origin: germline. Not counted in ClinVar's aggregate classification.

Breast Cancer Information Core (BIC) (BRCA2)
Classification: Uncertain significance for Breast-ovarian cancer, familial 2. Last evaluated: 2002-05-29. Review status: no assertion criteria provided. Collection method: clinical testing. Allele origin: germline. Affected: yes. Observed: 3 variant alleles. Not counted in ClinVar's aggregate classification.

Department of Pathology and Laboratory Medicine, Sinai Health System
Classification: Benign for Malignant tumor of breast. Review status: no assertion criteria provided. Collection method: clinical testing. Allele origin: unknown. Affected: yes. Observed: 2 variant alleles. Study: The Canadian Open Genetics Repository (COGR). Not counted in ClinVar's aggregate classification.
Comment: The BRCA2 p.Glu1593Asp variant was identified in 5 of 222 proband chromosomes (frequency: 0.023) from individuals with breast or ovarian cancer and was absent in 88 control chromosomes from these studies (Soumittra 2009, Saxena 2002). The variant was also identified in dbSNP (ID: rs80358703) â€šÃ„ÃºWith allele of Uncertain significanceâ€šÃ„Ã¹, LOVD, and the BIC database (3X with unknown clinical importance). This residue is conserved in mammals but not lower organisms, and computational analyses (PolyPhen-2, SIFT, AlignGVGD, BLOSUM) do not suggest a high likelihood of impact to the protein. In addition, Myriad classifies this variant as a polymorphism (personal communication). In summary, based on the above information, this variant meets our laboratory's criteria to be classified as benign.

Literature cited by the submitters: PubMed 19656415 (cited by Ambry Genetics); PubMed 24728327 (cited by ITMI).